The following is an entry in ClinVar:

NM_020632.3(ATP6V0A4):c.1180+1del

Gene: ATP6V0A4 (ATPase H+ transporting V0 subunit a4; minus strand). Cytogenetic location: 7q34.
Variant type: Deletion.
Coding change: c.1180+1del on transcript NM_020632.3 (MANE Select); the canonical splice donor site of the intron after coding-DNA position 1180, one base deleted (G; older notation c.1180+1delG).
Molecular consequence: splice donor variant.
Genome position (GRCh38, 1-based): chr7:138,749,166, C deleted on the plus strand (G on the coding strand, the reverse complement: ATP6V0A4 is on the minus strand); the first of 2 consecutive C bases (chr7:138,749,166-138,749,167); deleting either gives the same sequence. VCF-style (leftmost placement, unchanged base first): chr7-138749165-AC-A. GRCh37 (hg19) VCF-style: chr7-138433910-AC-A.
Other names: c.1180+1delG (NM_020632.2, NM_020632.3); c.1180+1del (NM_130840.3, NM_130841.3).
Identifiers: ClinVar variation 423162 (VCV000423162.3), dbSNP rs1064796270, ClinGen allele CA16618357.
Genomic context (GRCh38, chr7:138,749,165, plus strand): 5'-GGGTCCATCTTACCAGTTTTCACTTTCAAGCTACCCAGTCGTGCAGTTCATCAGATCTTT[AC>A]CTGGGTTTATCTCCCGGTAGCTGCCGACACCATAGGCATCAACAATATTCTGGAAGCCAG-3'

ClinVar aggregate classification (germline): Pathogenic/Likely pathogenic. Review status: criteria provided, multiple submitters, no conflicts (2 of 4 stars). 2 submissions from 2 submitters: Pathogenic (1); Likely pathogenic (1). Last evaluated 2025-05-02.

Conditions:
Autosomal recessive distal renal tubular acidosis. Identifiers: Orphanet 402041, MedGen C1864498, MONDO:0018440.

Submissions (2):

Women's Health and Genetics/Laboratory Corporation of America, LabCorp
Classification: Likely pathogenic for Autosomal recessive distal renal tubular acidosis. Last evaluated: 2025-05-02. Review status: criteria provided, single submitter. Criteria: LabCorp Variant Classification Summary - May 2015. Collection method: clinical testing. Allele origin: germline.
Comment: Variant summary: ATP6V0A4 c.1180+1delG is located in a canonical splice-site and is predicted to affect mRNA splicing resulting in a significantly altered protein due to either exon skipping, shortening, or inclusion of intronic material. Variants that disrupt the consensus splice site are a relatively common cause of aberrant splicing and loss of ATP6V0A4 function. Several computational tools predict a significant impact on normal splicing: Four predict the variant abolishes a 5' splicing donor site. However, these predictions have yet to be confirmed by functional studies. The variant was absent in 251472 control chromosomes. c.1180+1delG has been observed in individual(s) affected with Renal Tubular Acidosis, Distal, Autosomal Recessive (example: Jiang_2022). These report(s) do not provide unequivocal conclusions about association of the variant with Renal Tubular Acidosis, Distal, Autosomal Recessive. To our knowledge, no experimental evidence demonstrating an impact on protein function has been reported. The following publication have been ascertained in the context of this evaluation (PMID: 35768359). ClinVar contains an entry for this variant (Variation ID: 423162). Based on the evidence outlined above, the variant was classified as likely pathogenic.

GeneDx
Classification: Pathogenic. Last evaluated: 2017-01-20. Review status: criteria provided, single submitter. Criteria: GeneDx Variant Classification (06012015). Collection method: clinical testing. Allele origin: germline. Affected: yes.
Comment: The c.1180+1delG variant in the ATP6V0A4 gene has not been reported previously as a pathogenic variant nor as a benign variant, to our knowledge. This splice site variant destroys the canonical splice donor site in intron 12. It is predicted to cause abnormal gene splicing, either leading to an abnormal message that is subject to nonsense-mediated mRNA decay, or to an abnormal protein product if the message is used for protein translation. The c.1180+1delG variant was not observed in approximately 6500 individuals of European and African American ancestry in the NHLBI Exome Sequencing Project, indicating it is not a common benign variant in these populations. We interpret c.1180+1delG as a pathogenic variant.

Literature cited by the submitters: PubMed 35768359 (cited by Women's Health and Genetics/Laboratory Corporation of America, LabCorp).